The following is an entry in ClinVar:

ClinVar aggregate classification (germline): Uncertain significance (1 of 4 stars; one submission).

Conditions:
Bethlem myopathy 1A. Also called: Bethlem myopathy 1; MYOPATHY, BENIGN CONGENITAL, WITH CONTRACTURES; Bethlem Muscular Dystrophy. Identifiers: Orphanet 610, MedGen CN029274, MONDO:0024530, OMIM 158810.

Submission:

Labcorp Genetics (formerly Invitae), Labcorp
Classification: Uncertain significance for Bethlem myopathy 1A. Last evaluated: 2022-09-06. Review status: criteria provided, single submitter. Criteria: Invitae Variant Classification Sherloc (09022015). Collection method: clinical testing. Allele origin: germline.
Comment: In summary, the available evidence is currently insufficient to determine the role of this variant in disease. Therefore, it has been classified as a Variant of Uncertain Significance. Advanced modeling of protein sequence and biophysical properties (such as structural, functional, and spatial information, amino acid conservation, physicochemical variation, residue mobility, and thermodynamic stability) performed at Invitae indicates that this missense variant is not expected to disrupt COL6A3 protein function. ClinVar contains an entry for this variant (Variation ID: 568418). This variant has not been reported in the literature in individuals affected with COL6A3-related conditions. This variant is not present in population databases (gnomAD no frequency). This sequence change replaces serine, which is neutral and polar, with threonine, which is neutral and polar, at codon 154 of the COL6A3 protein (p.Ser154Thr).

NM_004369.4(COL6A3):c.460T>A (p.Ser154Thr)

Gene: COL6A3 (collagen type VI alpha 3 chain; minus strand). Cytogenetic location: 2q37.3.
Variant type: single nucleotide variant.
Coding change: c.460T>A on transcript NM_004369.4 (MANE Select); coding-DNA position 460, T replaced by A.
Protein change: p.Ser154Thr; replaces serine 154 with threonine.
Molecular consequence: missense variant. On other transcripts: intron variant (4).
Genome position (GRCh38, 1-based): chr2:237,394,836, A>T on the plus strand (T>A on the coding strand, the complement: COL6A3 is on the minus strand). VCF-style: chr2-237394836-A-T. GRCh37 (hg19) VCF-style: chr2-238303479-A-T.
Other names: c.91+1891T>A (NM_057166.5, NM_057167.4, NM_057164.5 and 1 more transcripts); short protein forms S154T.
Identifiers: ClinVar variation 568418 (VCV000568418.11), dbSNP rs1559279425, ClinGen allele CA351226978.
Genomic context (GRCh38, chr2:237,394,836, plus strand): 5'-CAAACACGTTAACATCAGCAGACTTAAGTTCCGCTGAGGGCAGAGCAAGGCCATCCTTCG[A>T]GTGTCCATCAGTTAACACTACGATAACCTGAGGGACTCCGTCACCGGCCCGGCTTCCAGC-3'
Protein context (NP_004360.2, residues 144-164): QVIVVLTDGH[Ser154Thr]KDGLALPSAE